The following is an entry in ClinVar:

NM_001204.7(BMPR2):c.1504G>C (p.Ala502Pro)

Gene: BMPR2 (bone morphogenetic protein receptor type 2; plus strand). Cytogenetic location: 2q33.2.
Variant type: single nucleotide variant.
Coding change: c.1504G>C on transcript NM_001204.7 (MANE Select); coding-DNA position 1504, G replaced by C.
Protein change: p.Ala502Pro; replaces alanine 502 with proline.
Molecular consequence: missense variant.
Genome position (GRCh38, 1-based): chr2:202,552,806, G>C. VCF-style: chr2-202552806-G-C. GRCh37 (hg19) VCF-style: chr2-203417529-G-C.
Other names: short protein forms A502P.
Identifiers: ClinVar variation 4824915 (VCV004824915.1).

ClinVar aggregate classification (germline): Uncertain significance (1 of 4 stars; one submission).

Conditions:
Inborn genetic diseases. Identifiers: MedGen C0950123, MeSH D030342.

Submission:

Ambry Genetics
Classification: Uncertain significance for Inborn genetic diseases. Last evaluated: 2026-01-25. Review status: criteria provided, single submitter. Criteria: Ambry Variant Classification Scheme 2023. Collection method: clinical testing. Allele origin: germline.
Comment: The p.A502P variant (also known as c.1504G>C), located in coding exon 11 of the BMPR2 gene, results from a G to C substitution at nucleotide position 1504. The alanine at codon 502 is replaced by proline, an amino acid with highly similar properties. This amino acid position is conserved. In addition, this alteration is predicted to be deleterious by in silico analysis. Based on the available evidence, the clinical significance of this variant remains unclear.